The following is an entry in ClinVar:

ClinVar aggregate classification (germline): Uncertain significance. Review status: criteria provided, multiple submitters, no conflicts (2 of 4 stars). 2 submissions from 2 submitters: Uncertain significance (2). Last evaluated 2025-01-27.

Conditions:
Inborn genetic diseases. Identifiers: MedGen C0950123, MeSH D030342.

gnomAD v4.1: 1 of 1,609,050 alleles (0.000062%); highest among the groups gnomAD compares: Admixed American, 0.0017%; no homozygotes.

Submissions (2):

Labcorp Genetics (formerly Invitae), Labcorp
Classification: Uncertain significance. Last evaluated: 2025-01-27. Review status: criteria provided, single submitter. Criteria: Invitae Variant Classification Sherloc (09022015). Collection method: clinical testing. Allele origin: germline.
Comment: This sequence change replaces tyrosine, which is neutral and polar, with cysteine, which is neutral and slightly polar, at codon 636 of the EMC1 protein (p.Tyr636Cys). This variant is present in population databases (rs762676984, gnomAD 0.003%). This variant has not been reported in the literature in individuals affected with EMC1-related conditions. ClinVar contains an entry for this variant (Variation ID: 3508137). Invitae Evidence Modeling of protein sequence and biophysical properties (such as structural, functional, and spatial information, amino acid conservation, physicochemical variation, residue mobility, and thermodynamic stability) indicates that this missense variant is expected to disrupt EMC1 protein function with a positive predictive value of 80%. In summary, the available evidence is currently insufficient to determine the role of this variant in disease. Therefore, it has been classified as a Variant of Uncertain Significance.

Ambry Genetics
Classification: Uncertain significance for Inborn genetic diseases. Last evaluated: 2024-10-25. Review status: criteria provided, single submitter. Criteria: Ambry Variant Classification Scheme 2023. Collection method: clinical testing. Allele origin: germline.

NM_015047.3(EMC1):c.1907A>G (p.Tyr636Cys)

Genes: EMC1 (ER membrane protein complex subunit 1; minus strand), EMC1-AS1 (EMC1 antisense RNA 1; plus strand). Cytogenetic location: 1p36.13.
Variant type: single nucleotide variant.
Coding change: c.1907A>G on transcript NM_015047.3 (MANE Select); coding-DNA position 1907, A replaced by G.
Protein change: p.Tyr636Cys; replaces tyrosine 636 with cysteine.
Molecular consequence: missense variant.
Genome position (GRCh38, 1-based): chr1:19,231,298, T>C on the plus strand (A>G on the coding strand, the complement: EMC1 is on the minus strand). VCF-style: chr1-19231298-T-C. GRCh37 (hg19) VCF-style: chr1-19557792-T-C.
Other names: c.1904A>G, p.Tyr635Cys (NM_001271427.2, NM_001271428.2); c.1841A>G, p.Tyr614Cys (NM_001271429.2); c.1916A>G, p.Tyr639Cys (NM_001375820.1); c.1913A>G, p.Tyr638Cys (NM_001375821.1); short protein forms Y638C, Y636C, Y639C, Y614C, Y635C.
Identifiers: ClinVar variation 3508137 (VCV003508137.3).